The following is an entry in ClinVar:

ClinVar aggregate classification (germline): Pathogenic (1 of 4 stars; one submission).

Conditions:
Charcot-Marie-Tooth disease axonal type 2P. Also called: CHARCOT-MARIE-TOOTH NEUROPATHY, TYPE 2P; Charcot-Marie-Tooth Neuropathy Type 2G; CHARCOT-MARIE-TOOTH DISEASE, AXONAL, TYPE 2G; CMT 2G. Identifiers: Orphanet 300319, Orphanet 99941, MedGen C3280797, MONDO:0013753, OMIM 614436.

Submission:

Labcorp Genetics (formerly Invitae), Labcorp
Classification: Pathogenic for Charcot-Marie-Tooth disease axonal type 2P. Last evaluated: 2023-08-20. Review status: criteria provided, single submitter. Criteria: Invitae Variant Classification Sherloc (09022015). Collection method: clinical testing. Allele origin: germline.
Comment: For these reasons, this variant has been classified as Pathogenic. This variant has not been reported in the literature in individuals affected with LRSAM1-related conditions. This variant is a gross deletion of the genomic region encompassing exon(s) 15 of the LRSAM1 gene. This deletion is out-of-frame, and is expected to create a premature termination codon and result in an absent or disrupted protein product. Loss-of-function variants in LRSAM1 are known to be pathogenic (PMID: 20865121, 33414056).

Literature cited by the submitters: PubMed 20865121; PubMed 33414056.

NC_000009.11:g.(?_130245209)_(130245319_?)del

Gene: LRSAM1 (leucine rich repeat and sterile alpha motif containing 1; plus strand). Cytogenetic location: 9q33.3.
Variant type: Deletion.
Identifiers: ClinVar variation 2427228 (VCV002427228.4).